The following is an entry in ClinVar:

NM_005120.3(MED12):c.6448C>T (p.Gln2150Ter)

Gene: MED12 (mediator complex subunit 12; plus strand). Cytogenetic location: Xq13.1.
Variant type: single nucleotide variant.
Coding change: c.6448C>T on transcript NM_005120.3 (MANE Select); coding-DNA position 6448, C replaced by T.
Protein change: p.Gln2150Ter; replaces glutamine 2150 with a stop codon.
Molecular consequence: nonsense.
Genome position (GRCh38, 1-based): chrX:71,141,922, C>T. VCF-style: chrX-71141922-C-T. GRCh37 (hg19) VCF-style: chrX-70361772-C-T.
Other names: c.6448C>T (NM_005120.2); short protein forms Q2150*.
Identifiers: ClinVar variation 1210257 (VCV001210257.4), dbSNP rs2147844887, ClinGen allele CA413544080.

ClinVar aggregate classification (germline): Likely pathogenic. Review status: criteria provided, single submitter (1 of 4 stars). 3 submissions from 3 submitters: Likely pathogenic (1). 2 of the submissions do not count toward it. Last evaluated 2025-12-20.

Conditions:
Blepharophimosis - intellectual disability syndrome, MKB type. Also called: X-Linked Ohdo Syndrome (XLOS); Ohdo syndrome, X-linked; BLEPHAROPHIMOSIS-MENTAL RETARDATION SYNDROME, MAAT-KIEVIT-BRUNNER TYPE. Identifiers: Orphanet 293707, MedGen C3698541, MONDO:0010477, OMIM 300895.
Familial thoracic aortic aneurysm and aortic dissection (TAAD). Also called: Thoracic aortic aneurysms and dissections. Identifiers: Orphanet 91387, MedGen C4707243, MONDO:0019625.
FG syndrome 1 (OKS). Also called: OPITZ-KAVEGGIA SYNDROME; KELLER SYNDROME; MENTAL RETARDATION, LARGE HEAD, IMPERFORATE ANUS, CONGENITAL HYPOTONIA, AND PARTIAL AGENESIS OF CORPUS CALLOSUM; FG Syndrome Type 1 (FGS1). Identifiers: Orphanet 93932, MedGen C5399762, MONDO:0010590, OMIM 305450.

Submissions (3):

Ambry Genetics
Classification: Likely pathogenic for Familial thoracic aortic aneurysm and aortic dissection. Last evaluated: 2025-12-20. Review status: criteria provided, single submitter. Criteria: Ambry Variant Classification Scheme 2023. Collection method: clinical testing. Allele origin: germline.
Comment: The c.6448C>T (p.Q2150*) alteration, located in coding exon 44 of the MED12 gene, consists of a C to T substitution at nucleotide position 6448. This changes the amino acid from a glutamine (Q) to a stop codon at amino acid position 2150. This alteration occurs at the 3' terminus of the MED12 gene, is not expected to trigger nonsense-mediated mRNA decay, and only impacts the last 1.2% of the protein. However, premature stop codons are typically deleterious in nature. This variant was not reported in population-based cohorts in the Genome Aggregation Database (gnomAD). This variant has been reported as a de novo finding in two unrelated females with features consistent with MED12-related neurodevelopmental disorder (Kaplanis, 2020; Polla, 2021). Based on the available evidence, this alteration is classified as likely pathogenic.

Solve-RD Consortium
Classification: Likely pathogenic for Blepharophimosis - intellectual disability syndrome, MKB type. Last evaluated: 2022-06-01. Review status: no assertion criteria provided. Collection method: provider interpretation. Allele origin: de novo. Affected: yes. Not counted in ClinVar's aggregate classification.
Comment: Variant confirmed as disease-causing by referring clinical team

Variant identified during reanalysis of unsolved cases by the Solve-RD project. The Solve-RD project has received funding from the European Union’s Horizon 2020 research and innovation programme under grant agreement No 779257.

GeneReviews
No classification provided. Condition: FG syndrome. Review status: no classification provided. Collection method: literature only. Allele origin: germline. Not counted in ClinVar's aggregate classification.

Literature cited by the submitters: PubMed 33057194 (cited by Ambry Genetics); PubMed 33244165 (cited by Ambry Genetics and GeneReviews); PubMed 39825153 (cited by Solve-RD Consortium); PubMed 20301719 (cited by GeneReviews).